The following is an entry in ClinVar:

ClinVar aggregate classification (germline): Uncertain significance (1 of 4 stars; one submission).

gnomAD v4.1: 2 of 1,614,076 alleles (0.00012%); highest among the groups gnomAD compares: African/African-American, 0.0013%; no homozygotes.

Submission:

GeneDx
Classification: Uncertain significance. Last evaluated: 2025-07-25. Review status: criteria provided, single submitter. Criteria: GeneDx Variant Classification Process June 2021. Collection method: clinical testing. Allele origin: germline.
Comment: Not observed at significant frequency in large population cohorts (gnomAD); In silico analysis supports that this missense variant has a deleterious effect on protein structure/function; Has not been previously published as pathogenic or benign to our knowledge

NM_021224.6(ZNF462):c.1796C>T (p.Pro599Leu)

Gene: ZNF462 (zinc finger protein 462; plus strand). Cytogenetic location: 9q31.2.
Variant type: single nucleotide variant.
Coding change: c.1796C>T on transcript NM_021224.6 (MANE Select); coding-DNA position 1796, C replaced by T.
Protein change: p.Pro599Leu; replaces proline 599 with leucine.
Molecular consequence: missense variant.
Genome position (GRCh38, 1-based): chr9:106,925,708, C>T. VCF-style: chr9-106925708-C-T. GRCh37 (hg19) VCF-style: chr9-109687989-C-T.
Other names: c.1796C>T, p.Pro599Leu (NM_001347997.2); short protein forms P599L.
Identifiers: ClinVar variation 3731055 (VCV003731055.2).
Genomic context (GRCh38, chr9:106,925,708, plus strand): 5'-AAACACAGCCACCACCAACGCAGCAGCCACAGCCACCCACACAAGCCGCACCTCTGCACC[C>T]ATACAAATGCACCATGTGTAATTACTCCACCACAACTCTGAAAGGGCTAAGAGTCCATCA-3'
Protein context (NP_067047.4, residues 589-609): QPPTQAAPLH[Pro599Leu]YKCTMCNYST